The following is an entry in ClinVar:

NM_012188.5(FOXI1):c.202C>T (p.Pro68Ser)

Gene: FOXI1 (forkhead box I1; plus strand). Cytogenetic location: 5q35.1.
Variant type: single nucleotide variant.
Coding change: c.202C>T on transcript NM_012188.5 (MANE Select); coding-DNA position 202, C replaced by T.
Protein change: p.Pro68Ser; replaces proline 68 with serine.
Molecular consequence: missense variant.
Genome position (GRCh38, 1-based): chr5:170,106,159, C>T. VCF-style: chr5-170106159-C-T. GRCh37 (hg19) VCF-style: chr5-169533163-C-T.
Other names: c.202C>T, p.Pro68Ser (NM_144769.4); short protein forms P68S.
Identifiers: ClinVar variation 2887014 (VCV002887014.3), dbSNP rs373137429, ClinGen allele CA3554977.

ClinVar aggregate classification (germline): Uncertain significance (1 of 4 stars; one submission).

Allele frequency attached by ClinVar (database versions not stated): gnomAD exomes 0.00002; TOPMed 0.00002; gnomAD 0.00003; ESP Exome Variant Server 0.00008; ExAC 0.00010.

Submission:

Labcorp Genetics (formerly Invitae), Labcorp
Classification: Uncertain significance. Last evaluated: 2023-10-13. Review status: criteria provided, single submitter. Criteria: Invitae Variant Classification Sherloc (09022015). Collection method: clinical testing. Allele origin: germline.
Comment: This sequence change replaces proline, which is neutral and non-polar, with serine, which is neutral and polar, at codon 68 of the FOXI1 protein (p.Pro68Ser). This variant is present in population databases (rs373137429, gnomAD 0.2%). This variant has not been reported in the literature in individuals affected with FOXI1-related conditions. Advanced modeling of protein sequence and biophysical properties (such as structural, functional, and spatial information, amino acid conservation, physicochemical variation, residue mobility, and thermodynamic stability) performed at Invitae indicates that this missense variant is not expected to disrupt FOXI1 protein function. In summary, the available evidence is currently insufficient to determine the role of this variant in disease. Therefore, it has been classified as a Variant of Uncertain Significance.